The following is an entry in ClinVar:

ClinVar aggregate classification (germline): Pathogenic. Review status: reviewed by expert panel (3 of 4 stars). 6 submissions from 6 submitters: Pathogenic (1). 5 of the submissions do not count toward it. Last evaluated 2016-09-08.

Conditions:
Hereditary cancer-predisposing syndrome. Also called: Hereditary Cancer Syndrome; Hereditary neoplastic syndrome; Neoplastic Syndromes, Hereditary; Tumor predisposition. Identifiers: Orphanet 140162, MedGen C0027672, MeSH D009386, MONDO:0015356.
Hereditary breast ovarian cancer syndrome. Also called: BRCA1- and BRCA2-Associated Hereditary Breast and Ovarian Cancer; Hereditary breast and ovarian cancer syndrome; Hereditary breast and ovarian cancer syndrome (HBOC); Breast and ovarian cancer; Hereditary breast and/or ovarian cancer syndrome; Hereditary breast and ovarian cancer. Identifiers: Orphanet 145, MedGen C0677776, MeSH D061325, MONDO:0003582. Disease mechanism: loss of function.
Breast-ovarian cancer, familial, susceptibility to, 1 (BROVCA1). Also called: BRCA1 Hereditary Breast and Ovarian Cancer; OVARIAN CANCER, SUSCEPTIBILITY TO. Identifiers: Orphanet 145, MedGen C2676676, MONDO:0011450, OMIM 604370. Disease mechanism: loss of function.

Submissions (6):

Evidence-based Network for the Interpretation of Germline Mutant Alleles (ENIGMA)
Classification: Pathogenic for Breast-ovarian cancer, familial, susceptibility to, 1. Last evaluated: 2016-09-08. Review status: reviewed by expert panel. Criteria: ENIGMA BRCA1/2 Classification Criteria (2015). Collection method: curation. Allele origin: germline.
Comment: Variant allele predicted to encode a truncated non-functional protein.

Ambry Genetics
Classification: Pathogenic for Hereditary cancer-predisposing syndrome. Last evaluated: 2025-01-03. Review status: criteria provided, single submitter. Criteria: Ambry Variant Classification Scheme 2023. Collection method: clinical testing. Allele origin: germline. Not counted in ClinVar's aggregate classification.
Comment: The c.1921delA pathogenic mutation, located in coding exon 9 of the BRCA1 gene, results from a deletion of one nucleotide at nucleotide position 1921, causing a translational frameshift with a predicted alternate stop codon (p.I641Lfs*10). This variant is considered to be rare based on population cohorts in the Genome Aggregation Database (gnomAD). This alteration is expected to result in loss of function by premature protein truncation or nonsense-mediated mRNA decay. As such, this alteration is interpreted as a disease-causing mutation.

Labcorp Genetics (formerly Invitae), Labcorp
Classification: Pathogenic for Hereditary breast ovarian cancer syndrome. Last evaluated: 2024-12-20. Review status: criteria provided, single submitter. Criteria: Invitae Variant Classification Sherloc (09022015). Collection method: clinical testing. Allele origin: germline. Not counted in ClinVar's aggregate classification.
Comment: This sequence change creates a premature translational stop signal (p.Ile641Leufs*10) in the BRCA1 gene. It is expected to result in an absent or disrupted protein product. Loss-of-function variants in BRCA1 are known to be pathogenic (PMID: 20104584). This variant is not present in population databases (gnomAD no frequency). This premature translational stop signal has been observed in individual(s) with clinical features of BRCA1-related conditions (PMID: 21520333). ClinVar contains an entry for this variant (Variation ID: 91571). For these reasons, this variant has been classified as Pathogenic.

Baylor Genetics
Classification: Pathogenic for Breast-ovarian cancer, familial, susceptibility to, 1. Last evaluated: 2023-10-17. Review status: criteria provided, single submitter. Criteria: ACMG Guidelines, 2015. Collection method: clinical testing. Allele origin: unknown. Not counted in ClinVar's aggregate classification.

Quest Diagnostics Nichols Institute San Juan Capistrano
Classification: Pathogenic. Last evaluated: 2020-05-19. Review status: criteria provided, single submitter. Criteria: Quest Diagnostics criteria. Collection method: clinical testing. Allele origin: unknown. Not counted in ClinVar's aggregate classification.
Comment: The variant results in a shift of the reading frame, and is therefore predicted to result in the loss of a functional protein. Not found in the gnomAD exomes dataset, and the data is high quality.

Sharing Clinical Reports Project (SCRP)
Classification: Pathogenic for Breast-ovarian cancer, familial 1. Last evaluated: 2006-05-04. Review status: no assertion criteria provided. Collection method: clinical testing. Allele origin: germline. Not counted in ClinVar's aggregate classification.

Literature cited by the submitters: PubMed 20104584 (cited by Labcorp Genetics (formerly Invitae), Labcorp); PubMed 21520333 (cited by Labcorp Genetics (formerly Invitae), Labcorp).

NM_007294.4(BRCA1):c.1921del (p.Ile641fs)

Gene: BRCA1 (BRCA1 DNA repair associated; minus strand). Cytogenetic location: 17q21.31.
Variant type: Deletion.
Coding change: c.1921del on transcript NM_007294.4 (MANE Select); coding-DNA position 1921, one base deleted (A; older notation c.1921delA).
Protein change: p.Ile641fs; shifts the reading frame from isoleucine 641.
Molecular consequence: frameshift variant. On other transcripts: intron variant (137).
Genome position (GRCh38, 1-based): chr17:43,093,610, T deleted on the plus strand (A on the coding strand, the reverse complement: BRCA1 is on the minus strand); the first of 3 consecutive T bases (chr17:43,093,610-43,093,612); deleting any one gives the same sequence. VCF-style (leftmost placement, unchanged base first): chr17-43093609-AT-A. GRCh37 (hg19) VCF-style: chr17-41245626-AT-A.
Other names: 2040delA; c.1711del, p.Ile571fs (NM_001407910.1, NM_001407879.1, NM_001407881.1 and 13 more transcripts); c.1708del, p.Ile570fs (NM_001407915.1, NM_001407916.1, NM_001407917.1 and 9 more transcripts); c.1798del, p.Ile600fs (NM_001407919.1, NM_001407937.1, NM_001407938.1 and 19 more transcripts); c.1657del, p.Ile553fs (NM_001407920.1, NM_001407921.1, NM_001407922.1 and 9 more transcripts); c.1654del, p.Ile552fs (NM_001407930.1, NM_001407931.1, NM_001407932.1 and 2 more transcripts); c.1795del, p.Ile599fs (NM_001407940.1, NM_001407941.1, NM_001407649.1 and 11 more transcripts); c.1780del, p.Ile594fs (NM_001407942.1, NM_001407944.1, NM_001407945.1 and 29 more transcripts); and 43 more; short protein forms I641fs, I594fs, I530fs, I553fs, I615fs, I640fs, I514fs, I529fs.
Identifiers: ClinVar variation 91571 (VCV000091571.13), dbSNP rs397507194, ClinGen allele CA001268.